The following is an entry in ClinVar:

NM_000059.4(BRCA2):c.2692_2696del (p.Glu897_Arg898insTer)

Gene: BRCA2 (BRCA2 DNA repair associated; plus strand). Cytogenetic location: 13q13.1.
Variant type: Deletion.
Coding change: c.2692_2696del on transcript NM_000059.4 (MANE Select); coding-DNA positions 2692 to 2696, 5 bases deleted (AGGAA; older notation c.2692_2696delAGGAA).
Protein change: p.Glu897_Arg898insTer.
Molecular consequence: nonsense.
Genome position (GRCh38, 1-based): chr13:32,337,047-32,337,051, AGGAA deleted; deleting any 5 consecutive bases within chr13:32,337,044-32,337,051 gives the same sequence; the c. name uses the placement nearest the transcript's 3' end. VCF-style (leftmost placement, unchanged base first): chr13-32337043-TGAAAG-T. GRCh37 (hg19) VCF-style: chr13-32911180-TGAAAG-T.
Other names: 2920del5; c.2692_2696delAGGAA (NM_000059.3); c.2692_2696del (NM_000059.3).
Identifiers: ClinVar variation 91784 (VCV000091784.55), dbSNP rs398122752, ClinGen allele CA016075.
Genomic context (GRCh38, chr13:32,337,043, plus strand): 5'-TCCAGACTCTGAAGAACTTTTCTCAGACAATGAGAATAATTTTGTCTTCCAAGTAGCTAA[TGAAAG>T]GAATAATCTTGCTTTAGGAAATACTAAGGAACTTCATGAAACAGACTTGACTTGTGTAAA-3'

ClinVar aggregate classification (germline): Pathogenic. Review status: reviewed by expert panel (3 of 4 stars). 7 submissions from 7 submitters: Pathogenic (1). 6 of the submissions do not count toward it. Last evaluated 2016-09-08.

Conditions:
Hereditary breast ovarian cancer syndrome. Also called: Breast and ovarian cancer; Hereditary breast and ovarian cancer; Hereditary breast and ovarian cancer syndrome; BRCA1- and BRCA2-Associated Hereditary Breast and Ovarian Cancer; Hereditary breast and ovarian cancer syndrome (HBOC); Hereditary breast and/or ovarian cancer syndrome. Identifiers: Orphanet 145, MedGen C0677776, MeSH D061325, MONDO:0003582. Disease mechanism: loss of function.
Hereditary cancer-predisposing syndrome. Also called: Tumor predisposition; Hereditary Cancer Syndrome; Neoplastic Syndromes, Hereditary; Hereditary neoplastic syndrome. Identifiers: Orphanet 140162, MedGen C0027672, MeSH D009386, MONDO:0015356.
Breast-ovarian cancer, familial, susceptibility to, 2 (BROVCA2). Also called: BRCA2 Hereditary Breast and Ovarian Cancer. Identifiers: Orphanet 145, MedGen C2675520, MONDO:0012933, OMIM 612555. Disease mechanism: loss of function.

Submissions (7):

Evidence-based Network for the Interpretation of Germline Mutant Alleles (ENIGMA)
Classification: Pathogenic for Breast-ovarian cancer, familial, susceptibility to, 2. Last evaluated: 2016-09-08. Review status: reviewed by expert panel. Criteria: ENIGMA BRCA1/2 Classification Criteria (2015). Collection method: curation. Allele origin: germline.
Comment: Variant allele predicted to encode a truncated non-functional protein.

Quest Diagnostics Nichols Institute San Juan Capistrano
Classification: Pathogenic. Last evaluated: 2024-12-17. Review status: criteria provided, single submitter. Criteria: Quest Diagnostics criteria. Collection method: clinical testing. Allele origin: unknown. Not counted in ClinVar's aggregate classification.
Comment: The BRCA2 c.2692_2696del (p.Arg898*) variant alters the translational reading frame of the BRCA2 mRNA and causes the premature termination of BRCA2 protein synthesis. This variant has been reported in the published literature in multiple individuals with breast cancer (PMIDs: 33471991 (2021), 26681312 (2015), see also LOVD). This variant has not been reported in large, multi-ethnic general populations (Genome Aggregation Database). Based on the available information, this variant is classified as pathogenic.

Ambry Genetics
Classification: Pathogenic for Hereditary cancer-predisposing syndrome. Last evaluated: 2024-02-22. Review status: criteria provided, single submitter. Criteria: Ambry Variant Classification Scheme 2023. Collection method: clinical testing. Allele origin: germline. Not counted in ClinVar's aggregate classification.
Comment: The c.2692_2696delAGGAA pathogenic mutation, located in coding exon 10 of the BRCA2 gene, results from a deletion of 5 nucleotides at nucleotide positions 2692 to 2696, causing a translational frameshift with a predicted alternate stop codon (p.R898*). This alteration was identified in 1/10030 consecutive patients referred for evaluation by an NGS hereditary cancer panel (Susswein LR et al. Genet Med. 2016 Aug;18:823-32). This variant is considered to be rare based on population cohorts in the Genome Aggregation Database (gnomAD). This alteration is expected to result in loss of function by premature protein truncation or nonsense-mediated mRNA decay. As such, this alteration is interpreted as a disease-causing mutation.

Labcorp Genetics (formerly Invitae), Labcorp
Classification: Pathogenic for Hereditary breast ovarian cancer syndrome. Last evaluated: 2023-01-28. Review status: criteria provided, single submitter. Criteria: Invitae Variant Classification Sherloc (09022015). Collection method: clinical testing. Allele origin: germline. Not counted in ClinVar's aggregate classification.
Comment: For these reasons, this variant has been classified as Pathogenic. ClinVar contains an entry for this variant (Variation ID: 91784). This premature translational stop signal has been observed in individual(s) with breast cancer (PMID: 91784). This variant is not present in population databases (gnomAD no frequency). This sequence change creates a premature translational stop signal (p.Arg898*) in the BRCA2 gene. It is expected to result in an absent or disrupted protein product. Loss-of-function variants in BRCA2 are known to be pathogenic (PMID: 20104584).

Women's Health and Genetics/Laboratory Corporation of America, LabCorp
Classification: Pathogenic for Hereditary breast ovarian cancer syndrome. Last evaluated: 2023-01-09. Review status: criteria provided, single submitter. Criteria: LabCorp Variant Classification Summary - May 2015. Collection method: clinical testing. Allele origin: germline. Not counted in ClinVar's aggregate classification.
Comment: Variant summary: BRCA2 c.2692_2696delAGGAA (p.Arg898X) results in a premature termination codon, predicted to cause a truncation of the encoded protein or absence of the protein due to nonsense mediated decay, which are commonly known mechanisms for disease. Truncations downstream of this position have been classified as pathogenic by our laboratory. The variant was absent in 239900 control chromosomes (gnomAD). c.2692_2696delAGGAA has been reported in the literature in individuals affected with Breast Cancer (Susswein_2016, and Dorling_2021, reported through LOVD). To our knowledge, no experimental evidence demonstrating an impact on protein function has been reported. Three submitters, including an expert panel (ENIGMA), have provided clinical-significance assessments for this variant in ClinVar after 2014, and all classified the variant as pathogenic. Based on the evidence outlined above, the variant was classified as pathogenic.

GeneDx
Classification: Pathogenic. Last evaluated: 2017-07-03. Review status: criteria provided, single submitter. Criteria: GeneDx Variant Classification (06012015). Collection method: clinical testing. Allele origin: germline. Affected: yes. Not counted in ClinVar's aggregate classification.
Comment: This deletion of five nucleotides is denoted BRCA2 c.2692_2696delAGGAA at the cDNA level and p.Arg898Ter (R898X) at the protein level. The normal sequence, with the bases that are deleted in brackets, is TGAA[delAGGAA]TAAT. The deletion creates a nonsense variant, which changes an Arginine to a premature stop codon. This variant is predicted to cause loss of normal protein function through either protein truncation or nonsense-mediated mRNA decay. BRCA2 c.2692_2696delAGGAA, also known as BRCA2 2920_2924delAGGAA using alternate nomenclature, has been observed in at least one individual with breast cancer undergoing multigene panel testing (Susswein 2016). This variant is considered pathogenic.

Sharing Clinical Reports Project (SCRP)
Classification: Pathogenic for Breast-ovarian cancer, familial 2. Last evaluated: 2013-03-04. Review status: no assertion criteria provided. Collection method: clinical testing. Allele origin: germline. Not counted in ClinVar's aggregate classification.

Literature cited by the submitters: PubMed 26681312 (cited by 3 submitters); PubMed 33471991 (cited by Quest Diagnostics Nichols Institute San Juan Capistrano and Women's Health and Genetics/Laboratory Corporation of America, LabCorp); PubMed 37461096 (cited by Quest Diagnostics Nichols Institute San Juan Capistrano); PubMed 91784 (cited by Labcorp Genetics (formerly Invitae), Labcorp); PubMed 20104584 (cited by Labcorp Genetics (formerly Invitae), Labcorp).